The following is an entry in ClinVar:

NM_001283009.2(RTEL1):c.1077T>G (p.Phe359Leu)

Genes: RTEL1 (regulator of telomere elongation helicase 1; plus strand), RTEL1-TNFRSF6B (RTEL1-TNFRSF6B readthrough (NMD candidate); plus strand). Cytogenetic location: 20q13.33.
Variant type: single nucleotide variant.
Coding change: c.1077T>G on transcript NM_001283009.2 (MANE Select); coding-DNA position 1077, T replaced by G.
Protein change: p.Phe359Leu; replaces phenylalanine 359 with leucine.
Molecular consequence: missense variant. On other transcripts: non-coding transcript variant (1).
Genome position (GRCh38, 1-based): chr20:63,679,888, T>G. VCF-style: chr20-63679888-T-G. GRCh37 (hg19) VCF-style: chr20-62311241-T-G.
Other names: c.408T>G, p.Phe136Leu (NM_001283010.1); c.1077T>G, p.Phe359Leu (NM_016434.4); c.1149T>G, p.Phe383Leu (NM_032957.5); short protein forms F136L, F359L, F383L.
Identifiers: ClinVar variation 2580820 (VCV002580820.5), dbSNP rs1463343470, ClinGen allele CA409673866.

ClinVar aggregate classification (germline): Uncertain significance. Review status: criteria provided, multiple submitters, no conflicts (2 of 4 stars). 3 submissions from 3 submitters: Uncertain significance (3). Last evaluated 2024-12-14.

Conditions:
Pulmonary fibrosis and/or bone marrow failure, Telomere-related, 3. Also called: PULMONARY FIBROSIS AND/OR BONE MARROW FAILURE SYNDROME, TELOMERE-RELATED, 3. Identifiers: Orphanet 2032, MedGen C4225346, MONDO:0014613, OMIM 616373.
Dyskeratosis congenita, autosomal recessive 5 (DKCB5). Identifiers: MedGen C3554656, MONDO:0014076, OMIM 615190.
Inborn genetic diseases. Identifiers: MedGen C0950123, MeSH D030342.

Allele frequency attached by ClinVar (database versions not stated): gnomAD exomes below 0.00001; TOPMed below 0.00001; gnomAD 0.00001.
gnomAD v4.1: 2 of 1,612,104 alleles (0.00012%); highest among the groups gnomAD compares: Non-Finnish European, 0.00017%; no homozygotes.

Submissions (3):

Ambry Genetics
Classification: Uncertain significance for Inborn genetic diseases. Last evaluated: 2024-12-14. Review status: criteria provided, single submitter. Criteria: Ambry Variant Classification Scheme 2023. Collection method: clinical testing. Allele origin: germline.
Comment: The p.F359L variant (also known as c.1077T>G), located in coding exon 12 of the RTEL1 gene, results from a T to G substitution at nucleotide position 1077. The phenylalanine at codon 359 is replaced by leucine, an amino acid with highly similar properties. This amino acid position is conserved. In addition, this alteration is predicted to be tolerated by in silico analysis. Based on the available evidence, the clinical significance of this variant remains unclear.

GeneDx
Classification: Uncertain significance. Last evaluated: 2023-09-18. Review status: criteria provided, single submitter. Criteria: GeneDx Variant Classification Process June 2021. Collection method: clinical testing. Allele origin: germline. Affected: yes.
Comment: Not observed at significant frequency in large population cohorts (gnomAD); In silico analysis supports that this missense variant has a deleterious effect on protein structure/function; Has not been previously published as pathogenic or benign to our knowledge

Labcorp Genetics (formerly Invitae), Labcorp
Classification: Uncertain significance for Dyskeratosis congenita, autosomal recessive 5; Pulmonary fibrosis and/or bone marrow failure, Telomere-related, 3. Last evaluated: 2023-05-23. Review status: criteria provided, single submitter. Criteria: Invitae Variant Classification Sherloc (09022015). Collection method: clinical testing. Allele origin: germline.
Comment: In summary, the available evidence is currently insufficient to determine the role of this variant in disease. Therefore, it has been classified as a Variant of Uncertain Significance. Algorithms developed to predict the effect of missense changes on protein structure and function output the following: SIFT: "Not Available"; PolyPhen-2: "Benign"; Align-GVGD: "Not Available". The leucine amino acid residue is found in multiple mammalian species, which suggests that this missense change does not adversely affect protein function. This variant has not been reported in the literature in individuals affected with RTEL1-related conditions. This variant is not present in population databases (gnomAD no frequency). This sequence change replaces phenylalanine, which is neutral and non-polar, with leucine, which is neutral and non-polar, at codon 359 of the RTEL1 protein (p.Phe359Leu).